The following is an entry in ClinVar:

NM_001197104.2(KMT2A):c.4224T>C (p.Asp1408=)

Gene: KMT2A (lysine methyltransferase 2A; plus strand). Cytogenetic location: 11q23.3.
Variant type: single nucleotide variant.
Coding change: c.4224T>C on transcript NM_001197104.2 (MANE Select); coding-DNA position 4224, T replaced by C.
Protein change: p.Asp1408=; no amino-acid change (aspartic acid 1408 retained).
Molecular consequence: synonymous variant.
Genome position (GRCh38, 1-based): chr11:118,484,867, T>C. VCF-style: chr11-118484867-T-C. GRCh37 (hg19) VCF-style: chr11-118355582-T-C.
Other names: c.4224T>C, p.Asp1408= (NM_005933.4).
Identifiers: ClinVar variation 718028 (VCV000718028.9), dbSNP rs781903097, ClinGen allele CA6303826.
Genomic context (GRCh38, chr11:118,484,867, plus strand): 5'-CATCCAAAGTTGTGTAATTGTAAAACTTTCCTAAGTGACCTTTCTCTCTCCACAGGAGGA[T>C]TGTGAAGCAGAAAATGTGTGGGAGATGGGAGGCTTAGGAATCTTGACTTCTGTTCCTATA-3'
Protein context (NP_001184033.1, residues 1398-1418): VHRIRVDFKE[Asp1408=]CEAENVWEMG

ClinVar aggregate classification (germline): Likely benign. Review status: criteria provided, multiple submitters, no conflicts (2 of 4 stars). 2 submissions from 2 submitters: Likely benign (2). Last evaluated 2026-07-01.

Allele frequency attached by ClinVar (database versions not stated): gnomAD below 0.00001 and 0.00001; ExAC 0.00002; gnomAD exomes 0.00002; TOPMed 0.00002.
gnomAD v4.1: 30 of 1,610,118 alleles (0.0019%); highest among the groups gnomAD compares: South Asian, 0.032%; no homozygotes.

Submissions (2):

CeGaT Center for Human Genetics Tuebingen
Classification: Likely benign. Last evaluated: 2026-07-01. Review status: criteria provided, single submitter. Criteria: CeGaT Center For Human Genetics Tuebingen Variant Classification Criteria Version 2. Collection method: clinical testing. Allele origin: germline. Affected: yes. Observed: 1 variant allele.
Comment: KMT2A: BP4, BP7

Labcorp Genetics (formerly Invitae), Labcorp
Classification: Likely benign. Last evaluated: 2025-12-20. Review status: criteria provided, single submitter. Criteria: Invitae Variant Classification Sherloc (09022015). Collection method: clinical testing. Allele origin: germline.